The following is an entry in ClinVar:

ClinVar aggregate classification (germline): Uncertain significance (1 of 4 stars; one submission).

Conditions:
Bethlem myopathy 1A. Also called: MYOPATHY, BENIGN CONGENITAL, WITH CONTRACTURES; Bethlem myopathy 1; Bethlem Muscular Dystrophy. Identifiers: Orphanet 610, MedGen CN029274, MONDO:0024530, OMIM 158810.

Allele frequency attached by ClinVar (database versions not stated): gnomAD exomes below 0.00001.
gnomAD v4.1: 1 of 1,614,176 alleles (0.000062%); highest among the groups gnomAD compares: Non-Finnish European, 0.000085%; no homozygotes.

Submission:

Labcorp Genetics (formerly Invitae), Labcorp
Classification: Uncertain significance for Bethlem myopathy 1A. Last evaluated: 2025-05-19. Review status: criteria provided, single submitter. Criteria: Invitae Variant Classification Sherloc (09022015). Collection method: clinical testing. Allele origin: germline.
Comment: This sequence change replaces glycine, which is neutral and non-polar, with valine, which is neutral and non-polar, at codon 2283 of the COL6A3 protein (p.Gly2283Val). This variant is not present in population databases (gnomAD no frequency). This variant has not been reported in the literature in individuals affected with COL6A3-related conditions. ClinVar contains an entry for this variant (Variation ID: 1519584). Invitae Evidence Modeling of protein sequence and biophysical properties (such as structural, functional, and spatial information, amino acid conservation, physicochemical variation, residue mobility, and thermodynamic stability) indicates that this missense variant is not expected to disrupt COL6A3 protein function with a negative predictive value of 80%. In summary, the available evidence is currently insufficient to determine the role of this variant in disease. Therefore, it has been classified as a Variant of Uncertain Significance.

NM_004369.4(COL6A3):c.6848G>T (p.Gly2283Val)

Gene: COL6A3 (collagen type VI alpha 3 chain; minus strand). Cytogenetic location: 2q37.3.
Variant type: single nucleotide variant.
Coding change: c.6848G>T on transcript NM_004369.4 (MANE Select); coding-DNA position 6848, G replaced by T.
Protein change: p.Gly2283Val; replaces glycine 2283 with valine.
Molecular consequence: missense variant.
Genome position (GRCh38, 1-based): chr2:237,350,178, C>A on the plus strand (G>T on the coding strand, the complement: COL6A3 is on the minus strand). VCF-style: chr2-237350178-C-A. GRCh37 (hg19) VCF-style: chr2-238258821-C-A.
Other names: c.5027G>T, p.Gly1676Val (NM_057166.5); c.6230G>T, p.Gly2077Val (NM_057167.4); short protein forms G1676V, G2077V, G2283V.
Identifiers: ClinVar variation 1519584 (VCV001519584.8), dbSNP rs1186288111, ClinGen allele CA351209230.